The following is an entry in ClinVar:

NM_002098.6(GUCA1B):c.467A>G (p.Asn156Ser)

Gene: GUCA1B (guanylate cyclase activator 1B; minus strand). Cytogenetic location: 6p21.1.
Variant type: single nucleotide variant.
Coding change: c.467A>G on transcript NM_002098.6 (MANE Select); coding-DNA position 467, A replaced by G.
Protein change: p.Asn156Ser; replaces asparagine 156 with serine.
Molecular consequence: missense variant.
Genome position (GRCh38, 1-based): chr6:42,185,688, T>C on the plus strand (A>G on the coding strand, the complement: GUCA1B is on the minus strand). VCF-style: chr6-42185688-T-C. GRCh37 (hg19) VCF-style: chr6-42153426-T-C.
Other names: short protein forms N156S.
Identifiers: ClinVar variation 4854849 (VCV004854849.1).

ClinVar aggregate classification (germline): Uncertain significance (1 of 4 stars; one submission).

Conditions:
Retinitis pigmentosa 48 (RP48). Also called: GUCA1B-Related Retinitis Pigmentosa. Identifiers: Orphanet 791, MedGen C3151190, MONDO:0013447, OMIM 613827.

Submission:

3billion
Classification: Uncertain significance for Retinitis pigmentosa 48. Last evaluated: 2025-08-19. Review status: criteria provided, single submitter. Criteria: ACMG Guidelines, 2015. Collection method: clinical testing. Allele origin: germline. Affected: yes.
Comment: The variant is not observed in the gnomAD v4.1.0 dataset. Predicted Consequence/Location: Missense variant In silico tool predictions suggest damaging effect of the variant on gene or gene product [REVEL: 0.67 (>=0.6, sensitivity 0.68 and specificity 0.92)]. Different missense changes at the same codon have been reported as of uncertain significance (ClinVar ID: VCV001011160). Therefore, this variant is classified as VUS according to the recommendation of ACMG/AMP guideline.